The following is an entry in ClinVar:

NM_002734.5(PRKAR1A):c.249TCC[2] (p.Pro87del)

Gene: PRKAR1A (protein kinase cAMP-dependent type I regulatory subunit alpha; plus strand). Cytogenetic location: 17q24.2.
Variant type: Microsatellite.
Coding change: c.249TCC[2] on transcript NM_002734.5 (MANE Select); two copies in a row of the 3-base unit TCC starting at c.249; the reference has three copies in a row; one copy, 3 bases deleted.
Protein change: p.Pro87del; deletes proline 87.
Molecular consequence: inframe deletion.
Genome position (GRCh38, 1-based): chr17:68,522,833-68,522,835, TCC deleted; deleting any 3 consecutive bases within chr17:68,522,826-68,522,835 gives the same sequence; the position shown is the placement nearest the transcript's 3' end. VCF-style (leftmost placement, unchanged base first): chr17-68522825-TCTC-T. GRCh37 (hg19) VCF-style: chr17-66518966-TCTC-T.
Other names: c.255_257delTCC (NM_002734.3); c.249TCC[2], p.Pro87del (NM_001276289.2, NM_001276290.1, NM_001278433.2 and 4 more transcripts); short protein forms P87del.
Identifiers: ClinVar variation 1036291 (VCV001036291.9), dbSNP rs2085658800, ClinGen allele CA2272255773.

ClinVar aggregate classification (germline): Uncertain significance. Review status: criteria provided, multiple submitters, no conflicts (2 of 4 stars). 2 submissions from 2 submitters: Uncertain significance (2). Last evaluated 2026-07-08.

Conditions:
Carney complex, type 1 (CNC1). Also called: CARNEY COMPLEX, TYPE I; CARNEY MYXOMA-ENDOCRINE COMPLEX. Identifiers: Orphanet 1359, MedGen C2607929, MONDO:0008057, OMIM 160980.
Hereditary cancer-predisposing syndrome. Also called: Tumor predisposition; Hereditary Cancer Syndrome; Hereditary neoplastic syndrome; Neoplastic Syndromes, Hereditary. Identifiers: Orphanet 140162, MedGen C0027672, MeSH D009386, MONDO:0015356.

Submissions (2):

Ambry Genetics
Classification: Uncertain significance for Hereditary cancer-predisposing syndrome. Last evaluated: 2026-07-08. Review status: criteria provided, single submitter. Criteria: Ambry Variant Classification Scheme 2023. Collection method: clinical testing. Allele origin: germline.
Comment: The c.255_257delTCC variant (also known as p.P87del) is located in coding exon 2 of the PRKAR1A gene. This variant results from an in-frame TCC deletion at nucleotide positions 255 to 257. This results in the in-frame deletion of a proline at codon 87. This amino acid position is highly conserved in available vertebrate species. In addition, this variant is predicted to be neutral by in silico analysis (Choi Y et al. PLoS ONE. 2012; 7(10):e46688). Based on the available evidence, the clinical significance of this variant remains unclear.

Labcorp Genetics (formerly Invitae), Labcorp
Classification: Uncertain significance for Carney complex, type 1. Last evaluated: 2023-03-01. Review status: criteria provided, single submitter. Criteria: Invitae Variant Classification Sherloc (09022015). Collection method: clinical testing. Allele origin: germline.
Comment: This variant is not present in population databases (gnomAD no frequency). In summary, the available evidence is currently insufficient to determine the role of this variant in disease. Therefore, it has been classified as a Variant of Uncertain Significance. Experimental studies and prediction algorithms are not available or were not evaluated, and the functional significance of this variant is currently unknown. This variant has not been reported in the literature in individuals affected with PRKAR1A-related conditions. This variant, c.255_257del, results in the deletion of 1 amino acid(s) of the PRKAR1A protein (p.Pro87del), but otherwise preserves the integrity of the reading frame.